The following is an entry in ClinVar:

NM_004393.6(DAG1):c.227G>A (p.Arg76His)

Gene: DAG1 (dystroglycan 1; plus strand). Cytogenetic location: 3p21.31.
Variant type: single nucleotide variant.
Coding change: c.227G>A on transcript NM_004393.6 (MANE Select); coding-DNA position 227, G replaced by A.
Protein change: p.Arg76His; replaces arginine 76 with histidine.
Molecular consequence: missense variant.
Genome position (GRCh38, 1-based): chr3:49,510,761, G>A. VCF-style: chr3-49510761-G-A. GRCh37 (hg19) VCF-style: chr3-49548194-G-A.
Other names: c.227G>A, p.Arg76His (NM_001165928.4, NM_001177634.3, NM_001177635.3 and 9 more transcripts); c.227G>A (NM_004393.4); short protein forms R76H.
Identifiers: ClinVar variation 851256 (VCV000851256.6), dbSNP rs950805280, ClinGen allele CA74517593.

ClinVar aggregate classification (germline): Uncertain significance. Review status: criteria provided, multiple submitters, no conflicts (2 of 4 stars). 2 submissions from 2 submitters: Uncertain significance (2). Last evaluated 2023-12-21.

Conditions:
Muscular dystrophy-dystroglycanopathy (congenital with brain and eye anomalies), type A9. Also called: WALKER-WARBURG SYNDROME OR MUSCLE-EYE BRAIN DISEASE, DAG1-RELATED; Muscular dystrophy-dystroglycanopathy (congenital with brain and eye anomalies), type a, 9. Identifiers: Orphanet 370997, Orphanet 899, MedGen C4225291, MONDO:0014683, OMIM 616538.
Autosomal recessive limb-girdle muscular dystrophy type 2P. Also called: MUSCULAR DYSTROPHY-DYSTROGLYCANOPATHY, LIMB-GIRDLE, DAG1-RELATED; Limb-Girdle Muscular Dystrophy Type 9C; MUSCULAR DYSTROPHY, LIMB-GIRDLE, TYPE 2P. Identifiers: Orphanet 280333, MedGen C4511963, MONDO:0013440, OMIM 613818.
Inborn genetic diseases. Identifiers: MedGen C0950123, MeSH D030342.

Allele frequency attached by ClinVar (database versions not stated): gnomAD exomes below 0.00001; gnomAD 0.00001 and 0.00002; TOPMed 0.00002.
gnomAD v4.1: 7 of 1,614,018 alleles (0.00043%); highest among the groups gnomAD compares: Admixed American, 0.0017%; no homozygotes.

Submissions (2):

Ambry Genetics
Classification: Uncertain significance for Inborn genetic diseases. Last evaluated: 2023-12-21. Review status: criteria provided, single submitter. Criteria: Ambry Variant Classification Scheme 2023. Collection method: clinical testing. Allele origin: germline.

Labcorp Genetics (formerly Invitae), Labcorp
Classification: Uncertain significance for Autosomal recessive limb-girdle muscular dystrophy type 2P; Muscular dystrophy-dystroglycanopathy (congenital with brain and eye anomalies), type A9. Last evaluated: 2023-07-14. Review status: criteria provided, single submitter. Criteria: Invitae Variant Classification Sherloc (09022015). Collection method: clinical testing. Allele origin: germline.
Comment: This sequence change replaces arginine, which is basic and polar, with histidine, which is basic and polar, at codon 76 of the DAG1 protein (p.Arg76His). This variant is not present in population databases (gnomAD no frequency). This variant has not been reported in the literature in individuals affected with DAG1-related conditions. ClinVar contains an entry for this variant (Variation ID: 851256). Advanced modeling of protein sequence and biophysical properties (such as structural, functional, and spatial information, amino acid conservation, physicochemical variation, residue mobility, and thermodynamic stability) performed at Invitae indicates that this missense variant is not expected to disrupt DAG1 protein function. In summary, the available evidence is currently insufficient to determine the role of this variant in disease. Therefore, it has been classified as a Variant of Uncertain Significance.